The following is an entry in ClinVar:

ClinVar aggregate classification (germline): Benign/Likely benign. Review status: criteria provided, multiple submitters, no conflicts (2 of 4 stars). 3 submissions from 3 submitters: Benign (2); Likely benign (1). Last evaluated 2026-05-12.

Allele frequency attached by ClinVar (database versions not stated): TOPMed 0.00074; ESP Exome Variant Server 0.00079; gnomAD 0.00099 and 0.00107; gnomAD exomes 0.00127 and 0.00137; ExAC 0.00207.
gnomAD v4.1: 2,003 of 1,609,850 alleles (0.12%); highest among the groups gnomAD compares: Non-Finnish European, 0.15%; 3 homozygotes.

Submissions (3):

Women's Health and Genetics/Laboratory Corporation of America, LabCorp
Classification: Benign. Last evaluated: 2026-05-12. Review status: criteria provided, single submitter. Criteria: LabCorp Variant Classification Summary - May 2015. Collection method: clinical testing. Allele origin: germline.

CeGaT Center for Human Genetics Tuebingen
Classification: Likely benign. Last evaluated: 2025-03-01. Review status: criteria provided, single submitter. Criteria: CeGaT Center For Human Genetics Tuebingen Variant Classification Criteria Version 2. Collection method: clinical testing. Allele origin: germline. Affected: yes. Observed: 4 variant alleles.
Comment: RREB1: BP4, BP7

Labcorp Genetics (formerly Invitae), Labcorp
Classification: Benign. Last evaluated: 2018-07-26. Review status: criteria provided, single submitter. Criteria: Invitae Variant Classification Sherloc (09022015). Collection method: clinical testing. Allele origin: germline.

NM_001003699.4(RREB1):c.1713C>G (p.Pro571=)

Gene: RREB1 (ras responsive element binding protein 1; plus strand). Cytogenetic location: 6p24.3.
Variant type: single nucleotide variant.
Coding change: c.1713C>G on transcript NM_001003699.4 (MANE Select); coding-DNA position 1713, C replaced by G.
Protein change: p.Pro571=; no amino-acid change (proline 571 retained).
Molecular consequence: synonymous variant.
Genome position (GRCh38, 1-based): chr6:7,229,812, C>G. VCF-style: chr6-7229812-C-G. GRCh37 (hg19) VCF-style: chr6-7230045-C-G.
Other names: c.1713C>G, p.Pro571= (NM_001003698.4, NM_001003700.2, NM_001168344.2).
Identifiers: ClinVar variation 714951 (VCV000714951.38), dbSNP rs374202026, ClinGen allele CA3625625.
Genomic context (GRCh38, chr6:7,229,812, plus strand): 5'-AGGCTCAGTGGAGGCGGCCTCCAACGCCCACCTGCTGCAGTCCAAGTCCGGGACCCAGCC[C>G]CACGCGGCCACGCGGCTCTCCCTGCAGCAGCCGCGGGCGGAGCTGCCGGGCCAGCCTGAG-3'
Protein context (NP_001003699.1, residues 561-581): HLLQSKSGTQ[Pro571=]HAATRLSLQQ